The following is an entry in ClinVar:

ClinVar aggregate classification (germline): Uncertain significance. Review status: criteria provided, multiple submitters, no conflicts (2 of 4 stars). 2 submissions from 2 submitters: Uncertain significance (2). Last evaluated 2024-01-23.

Conditions:
Inborn genetic diseases. Identifiers: MedGen C0950123, MeSH D030342.
Developmental and epileptic encephalopathy. Identifiers: MedGen C5779964, MONDO:0100620.

Allele frequency attached by ClinVar (database versions not stated): ExAC 0.00001; gnomAD 0.00001; gnomAD exomes 0.00002; TOPMed 0.00002.
gnomAD v4.1: 15 of 1,613,600 alleles (0.00093%); highest among the groups gnomAD compares: East Asian, 0.0022%; no homozygotes.

Submissions (2):

Ambry Genetics
Classification: Uncertain significance for Inborn genetic diseases. Last evaluated: 2024-01-23. Review status: criteria provided, single submitter. Criteria: Ambry Variant Classification Scheme 2023. Collection method: clinical testing. Allele origin: germline.

Labcorp Genetics (formerly Invitae), Labcorp
Classification: Uncertain significance for Early-infantile DEE. Last evaluated: 2020-06-13. Review status: criteria provided, single submitter. Criteria: Invitae Variant Classification Sherloc (09022015). Collection method: clinical testing. Allele origin: germline.
Comment: This sequence change replaces valine with isoleucine at codon 837 of the CACNA2D2 protein (p.Val837Ile). The valine residue is highly conserved and there is a small physicochemical difference between valine and isoleucine. This variant is present in population databases (rs199555638, ExAC 0.002%). This variant has not been reported in the literature in individuals with CACNA2D2-related conditions. Algorithms developed to predict the effect of missense changes on protein structure and function (SIFT, PolyPhen-2, Align-GVGD) all suggest that this variant is likely to be disruptive, but these predictions have not been confirmed by published functional studies and their clinical significance is uncertain. In summary, the available evidence is currently insufficient to determine the role of this variant in disease. Therefore, it has been classified as a Variant of Uncertain Significance.

NM_006030.4(CACNA2D2):c.2509G>A (p.Val837Ile)

Genes: CACNA2D2 (calcium voltage-gated channel auxiliary subunit alpha2delta 2; minus strand), LOC101928965 (uncharacterized LOC101928965; plus strand), LOC127898564 (CYB561D2-LOC101928965; plus strand). Cytogenetic location: 3p21.31.
Variant type: single nucleotide variant.
Coding change: c.2509G>A on transcript NM_006030.4 (MANE Select); coding-DNA position 2509, G replaced by A.
Protein change: p.Val837Ile; replaces valine 837 with isoleucine.
Molecular consequence: missense variant.
Genome position (GRCh38, 1-based): chr3:50,366,911, C>T on the plus strand (G>A on the coding strand, the complement: CACNA2D2 is on the minus strand). VCF-style: chr3-50366911-C-T. GRCh37 (hg19) VCF-style: chr3-50404342-C-T.
Other names: c.2509G>A, p.Val837Ile (NM_001005505.3); c.2530G>A, p.Val844Ile (NM_001174051.3); c.2302G>A, p.Val768Ile (NM_001291101.1); c.2530G>A (NM_001174051.1); short protein forms V768I, V837I, V844I.
Identifiers: ClinVar variation 1020297 (VCV001020297.3), dbSNP rs199555638, ClinGen allele CA2418455.